The following is an entry in ClinVar:

NM_016233.2(PADI3):c.663T>G (p.Asp221Glu)

Gene: PADI3 (peptidyl arginine deiminase 3; plus strand). Cytogenetic location: 1p36.13.
Variant type: single nucleotide variant.
Coding change: c.663T>G on transcript NM_016233.2 (MANE Select); coding-DNA position 663, T replaced by G.
Protein change: p.Asp221Glu; replaces aspartic acid 221 with glutamic acid.
Molecular consequence: missense variant.
Genome position (GRCh38, 1-based): chr1:17,270,243, T>G. VCF-style: chr1-17270243-T-G. GRCh37 (hg19) VCF-style: chr1-17596738-T-G.
Other names: short protein forms D221E.
Identifiers: ClinVar variation 3037611 (VCV003037611.4), dbSNP rs145276833, ClinGen allele CA639793.

ClinVar aggregate classification (germline): Benign. Review status: criteria provided, single submitter (1 of 4 stars). 2 submissions from 2 submitters: Benign (1). 1 of the submissions does not count toward it. Last evaluated 2026-07-01.

Conditions:
PADI3-related disorder. Also called: PADI3-related condition.

Allele frequency attached by ClinVar (database versions not stated): ESP Exome Variant Server 0.00031; gnomAD 0.00074; 1000 Genomes Project 0.00180; 1000 Genomes Project 30x 0.00203; ExAC 0.00215.
gnomAD v4.1: 923 of 1,610,262 alleles (0.057%); highest among the groups gnomAD compares: Admixed American, 1.4%; 14 homozygotes.

Submissions (2):

CeGaT Center for Human Genetics Tuebingen
Classification: Benign. Last evaluated: 2026-07-01. Review status: criteria provided, single submitter. Criteria: CeGaT Center For Human Genetics Tuebingen Variant Classification Criteria Version 2. Collection method: clinical testing. Allele origin: germline. Affected: yes. Observed: 2 variant alleles.
Comment: PADI3: BP4, BS1, BS2

PreventionGenetics, part of Exact Sciences
Classification: Benign for PADI3-related condition. Last evaluated: 2020-05-11. Review status: no assertion criteria provided. Collection method: clinical testing. Allele origin: germline. Not counted in ClinVar's aggregate classification.
Comment: This variant is classified as benign based on ACMG/AMP sequence variant interpretation guidelines (Richards et al. 2015 PMID: 25741868, with internal and published modifications).